The following is an entry in ClinVar:

ClinVar aggregate classification (germline): Likely pathogenic (1 of 4 stars; one submission).

Conditions:
Congenital myasthenic syndrome 10. Also called: Myasthenia, limb-girdle, familial. Identifiers: Orphanet 590, MedGen C1850792, MONDO:0009690, OMIM 254300.
Fetal akinesia deformation sequence 1 (FADS1). Also called: Fetal akinesia sequence; Pena-Shokeir syndrome type I. Identifiers: Orphanet 994, MedGen C1276035, MONDO:0100101, OMIM 208150, HP:0001989.

Allele frequency attached by ClinVar (database versions not stated): TOPMed below 0.00001; gnomAD 0.00001.
gnomAD v4.1: 1 of 1,613,646 alleles (0.000062%); highest among the groups gnomAD compares: African/African-American, 0.0013%; no homozygotes.

Submission:

Labcorp Genetics (formerly Invitae), Labcorp
Classification: Likely pathogenic for Congenital myasthenic syndrome 10; Fetal akinesia deformation sequence 1. Last evaluated: 2022-06-13. Review status: criteria provided, single submitter. Criteria: Invitae Variant Classification Sherloc (09022015). Collection method: clinical testing. Allele origin: germline.
Comment: This sequence change replaces proline, which is neutral and non-polar, with serine, which is neutral and polar, at codon 146 of the DOK7 protein (p.Pro146Ser). This variant is not present in population databases (gnomAD no frequency). This variant has not been reported in the literature in individuals affected with DOK7-related conditions. Advanced modeling of protein sequence and biophysical properties (such as structural, functional, and spatial information, amino acid conservation, physicochemical variation, residue mobility, and thermodynamic stability) performed at Invitae indicates that this missense variant is expected to disrupt DOK7 protein function. This variant disrupts the p.Pro146 amino acid residue in DOK7. Other variant(s) that disrupt this residue have been determined to be pathogenic (PMID: 20012313, 30266093; Invitae). This suggests that this residue is clinically significant, and that variants that disrupt this residue are likely to be disease-causing. In summary, the currently available evidence indicates that the variant is pathogenic, but additional data are needed to prove that conclusively. Therefore, this variant has been classified as Likely Pathogenic.

Literature cited by the submitters: PubMed 20012313; PubMed 30266093.

NM_173660.5(DOK7):c.436C>T (p.Pro146Ser)

Gene: DOK7 (docking protein 7; plus strand). Cytogenetic location: 4p16.3.
Variant type: single nucleotide variant.
Coding change: c.436C>T on transcript NM_173660.5 (MANE Select); coding-DNA position 436, C replaced by T.
Protein change: p.Pro146Ser; replaces proline 146 with serine.
Molecular consequence: missense variant. On other transcripts: intron variant (1).
Genome position (GRCh38, 1-based): chr4:3,476,446, C>T. VCF-style: chr4-3476446-C-T. GRCh37 (hg19) VCF-style: chr4-3478173-C-T.
Other names: c.436C>T, p.Pro146Ser (NM_001164673.2, NM_001301071.2); c.101-9093C>T (NM_001363811.2); short protein forms P146S.
Identifiers: ClinVar variation 1486324 (VCV001486324.8), dbSNP rs1727094027, ClinGen allele CA356114329.